The following is an entry in ClinVar:

NM_020461.4(TUBGCP6):c.501A>G (p.Glu167=)

Gene: TUBGCP6 (tubulin gamma complex component 6; minus strand). Cytogenetic location: 22q13.33.
Variant type: single nucleotide variant.
Coding change: c.501A>G on transcript NM_020461.4 (MANE Select); coding-DNA position 501, A replaced by G.
Protein change: p.Glu167=; no amino-acid change (glutamic acid 167 retained).
Molecular consequence: synonymous variant.
Genome position (GRCh38, 1-based): chr22:50,243,959, T>C on the plus strand (A>G on the coding strand, the complement: TUBGCP6 is on the minus strand). VCF-style: chr22-50243959-T-C. GRCh37 (hg19) VCF-style: chr22-50682388-T-C.
Identifiers: ClinVar variation 3034150 (VCV003034150.3), dbSNP rs138048407, ClinGen allele CA10309045.
Genomic context (GRCh38, chr22:50,243,959, plus strand): 5'-GCCTGGAGCAGCCTCCATAACCTGAAGTGTTTCCTGGATCATGCTGTGACACAAACACTC[T>C]TCTCTGGAGATCAGAGACTGAACGTCCATCTCAAACACACTCAGGTCGTCGCAATCATAG-3'
Protein context (NP_065194.3, residues 157-177): EMDVQSLISR[Glu167=]ECLCHSMIQE

ClinVar aggregate classification (germline): Likely benign. Review status: criteria provided, single submitter (1 of 4 stars). 2 submissions from 2 submitters: Likely benign (1). 1 of the submissions does not count toward it. Last evaluated 2025-12-17.

Conditions:
TUBGCP6-related disorder. Also called: TUBGCP6-related condition.

Allele frequency attached by ClinVar (database versions not stated): ExAC 0.00002; TOPMed 0.00003; gnomAD 0.00004; gnomAD exomes 0.00005; ESP Exome Variant Server 0.00008.
gnomAD v4.1: 74 of 1,614,046 alleles (0.0046%); highest among the groups gnomAD compares: Non-Finnish European, 0.0062%; no homozygotes.

Submissions (2):

Labcorp Genetics (formerly Invitae), Labcorp
Classification: Likely benign. Last evaluated: 2025-12-17. Review status: criteria provided, single submitter. Criteria: Invitae Variant Classification Sherloc (09022015). Collection method: clinical testing. Allele origin: germline.

PreventionGenetics, part of Exact Sciences
Classification: Likely benign for TUBGCP6-related condition. Last evaluated: 2019-08-02. Review status: no assertion criteria provided. Collection method: clinical testing. Allele origin: germline. Not counted in ClinVar's aggregate classification.
Comment: This variant is classified as likely benign based on ACMG/AMP sequence variant interpretation guidelines (Richards et al. 2015 PMID: 25741868, with internal and published modifications).